The following is an entry in ClinVar:

ClinVar aggregate classification (germline): Likely benign. Review status: criteria provided, multiple submitters, no conflicts (2 of 4 stars). 3 submissions from 3 submitters: Likely benign (3). Last evaluated 2026-04-01.

Conditions:
Osteogenesis imperfecta type I (OI1). Also called: Lobstein disease; Classic Non-deforming Osteogenesis Imperfecta with Blue Sclerae; Lobstein's Disease; OI, TYPE I; OSTEOGENESIS IMPERFECTA TARDA; OSTEOGENESIS IMPERFECTA WITH BLUE SCLERAE. Identifiers: Orphanet 216796, Orphanet 666, MedGen C0023931, MONDO:0008146, OMIM 166200. Disease mechanism: loss of function.

Allele frequency attached by ClinVar (database versions not stated): gnomAD 0.00001; TOPMed 0.00006.
gnomAD v4.1: 2 of 1,613,930 alleles (0.00012%); highest among the groups gnomAD compares: Admixed American, 0.0017%; no homozygotes.

Submissions (3):

Women's Health and Genetics/Laboratory Corporation of America, LabCorp
Classification: Likely benign. Last evaluated: 2026-04-01. Review status: criteria provided, single submitter. Criteria: LabCorp Variant Classification Summary - May 2015. Collection method: clinical testing. Allele origin: germline.
Comment: Variant summary: COL1A1 c.958-9C>T alters a nucleotide located at a position not widely known to affect splicing. Consensus agreement among computation tools predict no significant impact on normal splicing. However, these predictions have yet to be confirmed by functional studies. The variant was absent in 250734 control chromosomes. The available data on variant occurrences in the general population are insufficient to allow any conclusion about variant significance. To our knowledge, no occurrence of c.958-9C>T in individuals affected with COL1A1-related conditions and no experimental evidence demonstrating its impact on protein function have been reported. ClinVar contains an entry for this variant (Variation ID: 1594662). Based on the evidence outlined above, the variant was classified as likely benign.

Labcorp Genetics (formerly Invitae), Labcorp
Classification: Likely benign for Osteogenesis imperfecta type I. Last evaluated: 2025-08-26. Review status: criteria provided, single submitter. Criteria: Invitae Variant Classification Sherloc (09022015). Collection method: clinical testing. Allele origin: germline.

Blueprint Genetics
Classification: Likely benign. Last evaluated: 2024-01-15. Review status: criteria provided, single submitter. Criteria: ACMG Guidelines, 2015. Collection method: clinical testing. Allele origin: germline.

NM_000088.4(COL1A1):c.958-9C>T

Gene: COL1A1 (collagen type I alpha 1 chain; minus strand). Cytogenetic location: 17q21.33.
Variant type: single nucleotide variant.
Coding change: c.958-9C>T on transcript NM_000088.4 (MANE Select); 9 bases into the intron before coding-DNA position 958, C replaced by T.
Molecular consequence: intron variant.
Genome position (GRCh38, 1-based): chr17:50,196,208, G>A on the plus strand (C>T on the coding strand, the complement: COL1A1 is on the minus strand). VCF-style: chr17-50196208-G-A. GRCh37 (hg19) VCF-style: chr17-48273569-G-A.
Identifiers: ClinVar variation 1594662 (VCV001594662.10), dbSNP rs1270507282, ClinGen allele CA772793796.
Genomic context (GRCh38, chr17:50,196,208, plus strand): 5'-CACTCACAGGGGGCCCGGCAGCACCAGTAGCACCATCATTTCCACGAGCACCCTGCAGGA[G>A]AGAGGGGAAGCCCCGTTAAGTCCACTGAGCACTGGCCAGTCCCTAGAGTTCCTGGGGAGC-3'